The following is an entry in ClinVar:

NM_000089.4(COL1A2):c.701G>T (p.Arg234Leu)

Gene: COL1A2 (collagen type I alpha 2 chain; plus strand). Cytogenetic location: 7q21.3.
Variant type: single nucleotide variant.
Coding change: c.701G>T on transcript NM_000089.4 (MANE Select); coding-DNA position 701, G replaced by T.
Protein change: p.Arg234Leu; replaces arginine 234 with leucine.
Molecular consequence: missense variant.
Genome position (GRCh38, 1-based): chr7:94,408,343, G>T. VCF-style: chr7-94408343-G-T. GRCh37 (hg19) VCF-style: chr7-94037655-G-T.
Other names: short protein forms R234L.
Identifiers: ClinVar variation 3762959 (VCV003762959.2).

ClinVar aggregate classification (germline): Uncertain significance (1 of 4 stars; one submission).

Conditions:
Ehlers-Danlos syndrome, classic type, 1 (EDSCL1). Also called: EHLERS-DANLOS SYNDROME, GRAVIS TYPE; EHLERS-DANLOS SYNDROME, SEVERE CLASSIC TYPE; Ehlers-Danlos syndrome, type 1; Ehlers-Danlos Syndrome, Classic Type, COL5A1-Related; EDS I. Identifiers: MedGen C0268335, MONDO:0019567, OMIM 130000.
Osteogenesis imperfecta type I (OI1). Also called: OI, TYPE I; OSTEOGENESIS IMPERFECTA TARDA; OSTEOGENESIS IMPERFECTA WITH BLUE SCLERAE; Osteogenesis imperfecta type 1; Lobstein's Disease; Lobstein disease. Identifiers: Orphanet 216796, Orphanet 666, MedGen C0023931, MONDO:0008146, OMIM 166200. Disease mechanism: loss of function.

gnomAD v4.1: 3 of 1,614,068 alleles (0.00019%); highest among the groups gnomAD compares: East Asian, 0.0045%; no homozygotes.

Submission:

Labcorp Genetics (formerly Invitae), Labcorp
Classification: Uncertain significance for Osteogenesis imperfecta type I; Ehlers-Danlos syndrome, classic type, 1. Last evaluated: 2025-04-22. Review status: criteria provided, single submitter. Criteria: Invitae Variant Classification Sherloc (09022015). Collection method: clinical testing. Allele origin: germline.
Comment: This sequence change replaces arginine, which is basic and polar, with leucine, which is neutral and non-polar, at codon 234 of the COL1A2 protein (p.Arg234Leu). This variant is present in population databases (rs376341785, gnomAD 0.01%). This variant has not been reported in the literature in individuals affected with COL1A2-related conditions. ClinVar contains an entry for this variant (Variation ID: 3762959). Invitae Evidence Modeling of protein sequence and biophysical properties (such as structural, functional, and spatial information, amino acid conservation, physicochemical variation, residue mobility, and thermodynamic stability) indicates that this missense variant is expected to disrupt COL1A2 protein function with a positive predictive value of 95%. In summary, the available evidence is currently insufficient to determine the role of this variant in disease. Therefore, it has been classified as a Variant of Uncertain Significance.